The following is an entry in ClinVar:

ClinVar aggregate classification (germline): Uncertain significance (1 of 4 stars; one submission).

Allele frequency attached by ClinVar (database versions not stated): gnomAD 0.00001; TOPMed 0.00001.
gnomAD v4.1: 1 of 1,613,246 alleles (0.000062%); highest among the groups gnomAD compares: African/African-American, 0.0013%; no homozygotes.

Submission:

Labcorp Genetics (formerly Invitae), Labcorp
Classification: Uncertain significance. Last evaluated: 2022-04-25. Review status: criteria provided, single submitter. Criteria: Invitae Variant Classification Sherloc (09022015). Collection method: clinical testing. Allele origin: germline.
Comment: This sequence change replaces glycine, which is neutral and non-polar, with glutamic acid, which is acidic and polar, at codon 1950 of the LRP2 protein (p.Gly1950Glu). This variant is not present in population databases (gnomAD no frequency). This variant has not been reported in the literature in individuals affected with LRP2-related conditions. Advanced modeling of protein sequence and biophysical properties (such as structural, functional, and spatial information, amino acid conservation, physicochemical variation, residue mobility, and thermodynamic stability) performed at Invitae indicates that this missense variant is expected to disrupt LRP2 protein function. In summary, the available evidence is currently insufficient to determine the role of this variant in disease. Therefore, it has been classified as a Variant of Uncertain Significance.

NM_004525.3(LRP2):c.5849G>A (p.Gly1950Glu)

Gene: LRP2 (LDL receptor related protein 2; minus strand). Cytogenetic location: 2q31.1.
Variant type: single nucleotide variant.
Coding change: c.5849G>A on transcript NM_004525.3 (MANE Select); coding-DNA position 5849, G replaced by A.
Protein change: p.Gly1950Glu; replaces glycine 1950 with glutamic acid.
Molecular consequence: missense variant.
Genome position (GRCh38, 1-based): chr2:169,213,848, C>T on the plus strand (G>A on the coding strand, the complement: LRP2 is on the minus strand). VCF-style: chr2-169213848-C-T. GRCh37 (hg19) VCF-style: chr2-170070358-C-T.
Other names: short protein forms G1950E.
Identifiers: ClinVar variation 1361526 (VCV001361526.3), dbSNP rs1468960437, ClinGen allele CA349134358.